The following is an entry in ClinVar:

NM_000209.4(PDX1):c.208G>A (p.Val70Met)

Gene: PDX1 (pancreatic and duodenal homeobox 1; plus strand). Cytogenetic location: 13q12.2.
Variant type: single nucleotide variant.
Coding change: c.208G>A on transcript NM_000209.4 (MANE Select); coding-DNA position 208, G replaced by A.
Protein change: p.Val70Met; replaces valine 70 with methionine.
Molecular consequence: missense variant.
Genome position (GRCh38, 1-based): chr13:27,920,346, G>A. VCF-style: chr13-27920346-G-A. GRCh37 (hg19) VCF-style: chr13-28494483-G-A.
Other names: short protein forms V70M.
Identifiers: ClinVar variation 917442 (VCV000917442.4), dbSNP rs1234749777, ClinGen allele CA387644422.
Genomic context (GRCh38, chr13:27,920,346, plus strand): 5'-TTCCCTGGCGCCCTGGGCGCGCTGGAGCAGGGCAGCCCCCCGGACATCTCCCCGTACGAG[G>A]TGCCCCCCCTCGCCGACGACCCCGCGGTGGCGCACCTTCACCACCACCTCCCGGCTCAGC-3'
Protein context (NP_000200.1, residues 60-80): GSPPDISPYE[Val70Met]PPLADDPAVA

ClinVar aggregate classification (germline): Uncertain significance. Review status: criteria provided, multiple submitters, no conflicts (2 of 4 stars). 2 submissions from 2 submitters: Uncertain significance (2). Last evaluated 2022-04-06.

Conditions:
Monogenic diabetes. Identifiers: Orphanet 183625, MedGen C3888631, MONDO:0015967.
Type 2 diabetes mellitus. Also called: Type II diabetes mellitus. Identifiers: MedGen C0011860, MeSH D003924, MONDO:0005148, OMIM 125853, HP:0005978.
Maturity-onset diabetes of the young type 4 (MODY4). Also called: MODY, type IV; Maturity-onset diabetes of the young, type IV. Identifiers: Orphanet 552, MedGen C1833382, MONDO:0011667, OMIM 606392.
Pancreatic agenesis 1 (PAGEN1). Also called: PANCREATIC HYPOPLASIA, CONGENITAL. Identifiers: Orphanet 2805, MedGen C3891828, MONDO:0024547, OMIM 260370.

Allele frequency attached by ClinVar (database versions not stated): gnomAD exomes 0.00001.
gnomAD v4.1: 15 of 1,541,638 alleles (0.00097%); highest among the groups gnomAD compares: Non-Finnish European, 0.0013%; no homozygotes.

Submissions (2):

New York Genome Center
Classification: Uncertain significance for Maturity-onset diabetes of the young type 4; Pancreatic agenesis 1; Type 2 diabetes mellitus. Last evaluated: 2022-04-06. Review status: criteria provided, single submitter. Criteria: NYGC Assertion Criteria 2020. Collection method: clinical testing. Allele origin: germline. Observed: 1 heterozygote.

Personalized Diabetes Medicine Program, University of Maryland School of Medicine
Classification: Uncertain significance for Monogenic diabetes. Last evaluated: 2018-03-16. Review status: criteria provided, single submitter. Criteria: ACMG Guidelines, 2015. Collection method: research. Allele origin: unknown. Observed: 1 variant allele, 1 heterozygote.
Comment: ACMG criteria: PP3 (7 predictors), BP4 (2 predictors), PM2 (absent db), NOTE: is in transactivation domain but there is some likely benign variation within this domain also=VUS